The following is an entry in ClinVar:

NM_003482.4(KMT2D):c.16467C>G (p.Asp5489Glu)

Gene: KMT2D (lysine methyltransferase 2D; minus strand). Cytogenetic location: 12q13.12.
Variant type: single nucleotide variant.
Coding change: c.16467C>G on transcript NM_003482.4 (MANE Select); coding-DNA position 16467, C replaced by G.
Protein change: p.Asp5489Glu; replaces aspartic acid 5489 with glutamic acid.
Molecular consequence: missense variant.
Genome position (GRCh38, 1-based): chr12:49,022,097, G>C on the plus strand (C>G on the coding strand, the complement: KMT2D is on the minus strand). VCF-style: chr12-49022097-G-C. GRCh37 (hg19) VCF-style: chr12-49415880-G-C.
Other names: short protein forms D5489E.
Identifiers: ClinVar variation 1719123 (VCV001719123.5), dbSNP rs2137703752, ClinGen allele CA384675969.

ClinVar aggregate classification (germline): Uncertain significance (1 of 4 stars; one submission).

Conditions:
Kabuki syndrome. Also called: Kabuki make-up syndrome; NIIKAWA-KUROKI SYNDROME. Identifiers: Orphanet 2322, MedGen C0796004, MONDO:0016512.

Submission:

Labcorp Genetics (formerly Invitae), Labcorp
Classification: Uncertain significance for Kabuki syndrome. Last evaluated: 2022-09-09. Review status: criteria provided, single submitter. Criteria: Invitae Variant Classification Sherloc (09022015). Collection method: clinical testing. Allele origin: germline.
Comment: In summary, the available evidence is currently insufficient to determine the role of this variant in disease. Therefore, it has been classified as a Variant of Uncertain Significance. Advanced modeling of protein sequence and biophysical properties (such as structural, functional, and spatial information, amino acid conservation, physicochemical variation, residue mobility, and thermodynamic stability) performed at Invitae indicates that this missense variant is not expected to disrupt KMT2D protein function. This variant has not been reported in the literature in individuals affected with KMT2D-related conditions. This variant is not present in population databases (gnomAD no frequency). This sequence change replaces aspartic acid, which is acidic and polar, with glutamic acid, which is acidic and polar, at codon 5489 of the KMT2D protein (p.Asp5489Glu).